The following is an entry in ClinVar:

NM_024818.6(UBA5):c.221_222del (p.Phe74fs)

Genes: NPHP3-ACAD11 (NPHP3-ACAD11 readthrough (NMD candidate); minus strand), UBA5 (ubiquitin like modifier activating enzyme 5; plus strand). Cytogenetic location: 3q22.1.
Variant type: Deletion.
Coding change: c.221_222del on transcript NM_024818.6 (MANE Select); coding-DNA positions 221 to 222, 2 bases deleted (TT; older notation c.221_222delTT).
Protein change: p.Phe74fs; shifts the reading frame from phenylalanine 74.
Molecular consequence: frameshift variant. On other transcripts: intron variant (2).
Genome position (GRCh38, 1-based): chr3:132,665,997-132,665,998, TT deleted; deleting any 2 consecutive bases within chr3:132,665,996-132,665,998 gives the same sequence; the c. name uses the placement nearest the transcript's 3' end. VCF-style (leftmost placement, unchanged base first): chr3-132665995-CTT-C. GRCh37 (hg19) VCF-style: chr3-132384839-CTT-C.
Other names: c.53_54del, p.Phe18fs (NM_001320210.2, NM_198329.4); c.-39-2821_-39-2820del (NM_001321239.1); c.28-2821_28-2820del (NM_001321238.2); short protein forms F74fs, F18fs.
Identifiers: ClinVar variation 3646096 (VCV003646096.2).

ClinVar aggregate classification (germline): Pathogenic (1 of 4 stars; one submission).

Submission:

Labcorp Genetics (formerly Invitae), Labcorp
Classification: Pathogenic. Last evaluated: 2024-03-15. Review status: criteria provided, single submitter. Criteria: Invitae Variant Classification Sherloc (09022015). Collection method: clinical testing. Allele origin: germline.
Comment: This sequence change creates a premature translational stop signal (p.Phe74Cysfs*12) in the UBA5 gene. It is expected to result in an absent or disrupted protein product. Loss-of-function variants in UBA5 are known to be pathogenic (PMID: 27545674, 27545681). This variant is not present in population databases (gnomAD no frequency). This variant has not been reported in the literature in individuals affected with UBA5-related conditions. For these reasons, this variant has been classified as Pathogenic.

Literature cited by the submitters: PubMed 27545674; PubMed 27545681.